The following is an entry in ClinVar:

ClinVar aggregate classification (germline): Likely benign (1 of 4 stars; one submission).

Conditions:
SDCCAG8-related disorder. Also called: SDCCAG8-related condition; SDCCAG8-Related Disorders.

Submission:

PreventionGenetics, part of Exact Sciences
Classification: Likely benign for SDCCAG8-related condition. Last evaluated: 2026-07-22. Review status: criteria provided, single submitter. Criteria: ACMG Guidelines, 2015. Collection method: clinical testing. Allele origin: germline.
Comment: This variant is classified as likely benign based on ACMG/AMP sequence variant interpretation guidelines (Richards et al. 2015 PMID: 25741868, with internal and published modifications).

NM_006642.5(SDCCAG8):c.1356+6G>A

Gene: SDCCAG8 (SHH signaling and ciliogenesis regulator SDCCAG8; plus strand). Cytogenetic location: 1q43.
Variant type: single nucleotide variant.
Coding change: c.1356+6G>A on transcript NM_006642.5 (MANE Select); 6 bases into the intron after coding-DNA position 1356, G replaced by A.
Molecular consequence: intron variant.
Genome position (GRCh38, 1-based): chr1:243,341,179, G>A. VCF-style: chr1-243341179-G-A. GRCh37 (hg19) VCF-style: chr1-243504481-G-A.
Other names: c.1062+6G>A (NM_001350249.2); c.453+6G>A (NM_001350251.2, NM_001350246.2, NM_001350247.2); c.1452+6G>A (NM_001350248.2).
Identifiers: ClinVar variation 4980614 (VCV004980614.1).